The following is an entry in ClinVar:

ClinVar aggregate classification (germline): Uncertain significance. Review status: reviewed by expert panel (3 of 4 stars). 3 submissions from 3 submitters: Uncertain significance (1). 2 of the submissions do not count toward it. Last evaluated 2025-05-19.

Conditions:
Familial adenomatous polyposis 1 (FAP1). Also called: FAMILIAL ADENOMATOUS POLYPOSIS 1, ATTENUATED; POLYPOSIS, ADENOMATOUS INTESTINAL. Identifiers: MedGen C2713442, MONDO:0021056, OMIM 175100. Disease mechanism: loss of function.
Hereditary cancer-predisposing syndrome. Also called: Neoplastic Syndromes, Hereditary; Tumor predisposition; Hereditary neoplastic syndrome; Hereditary Cancer Syndrome. Identifiers: Orphanet 140162, MedGen C0027672, MeSH D009386, MONDO:0015356.

Submissions (3):

ClinGen InSiGHT Hereditary Colorectal Cancer/Polyposis Variant Curation Expert Panel
Classification: Uncertain significance for Familial adenomatous polyposis 1. Last evaluated: 2025-05-19. Review status: reviewed by expert panel. Criteria: ClinGen InSiGHT HCCP VCEP ACMG Specifications APC V1. Collection method: curation. Allele origin: germline. Inheritance: Autosomal dominant inheritance.
Comment: The NM_000038.6(APC):c.623A>G variant in APC is a missense variant predicted to cause the substitution of glutamine by arginine at amino acid position 208 (p.Gln208Arg). This variant has been reported in 1 family with AFAP worth 1 phenotype point (PS4_Supporting, PMID: 10646887). The variant has been reported in 1 additional individual without a colorectal cancer/polyposis associated phenotype not meeting criteria for BS2 (BS2 not met; [Ambry Genetics]). This variant is absent from gnomAD v2.1.1 (PM2_Supporting). APC is defined by the ClinGen InSiGHT Hereditary Colorectal Cancer/Polyposis Variant Curation Expert Panel (HCCP VCEP) as a gene for which primarily truncating variants are known to cause disease (BP1). Due to insufficient evidence, this variant is classified as a Variant of Uncertain Significance (VUS) for autosomal-dominant inherited FAP based on the ACMG/AMP criteria applied, as specified by the HCCP VCEP: PS4_Supporting, PM2_Supporting and BP1 (VCEP specifications version 2.1.0; date of approval: 11/24/2023).

Ambry Genetics
Classification: Uncertain significance for Hereditary cancer-predisposing syndrome. Last evaluated: 2026-01-28. Review status: criteria provided, single submitter. Criteria: Ambry Variant Classification Scheme 2023. Collection method: clinical testing. Allele origin: germline. Not counted in ClinVar's aggregate classification.
Comment: The p.Q208R variant (also known as c.623A>G), located in coding exon 5 of the APC gene, results from an A to G substitution at nucleotide position 623. The glutamine at codon 208 is replaced by arginine, an amino acid with highly similar properties. This variant has been reported in a family with features consistent with familial adenomatous polyposis (FAP) (Ficari F et al. Br J Cancer. 2000 Jan;82(2):348-53), but also in individuals who did not report any features of FAP. This amino acid position is highly conserved in available vertebrate species. In addition, in silico predictors for this gene do not accurately predict pathogenicity. Missense variants in APC are not a common cause of disease (Spier I et al. Genet Med. 2024 Feb;26(2):100992). Based on the available evidence, the clinical significance of this variant remains unclear.

Hereditary Cancer Laboratory, Hospital Universitario 12 de Octubre
Classification: Uncertain significance for Hereditary cancer-predisposing syndrome. Last evaluated: 2024-03-25. Review status: criteria provided, single submitter. Criteria: ACMG Guidelines, 2015. Collection method: clinical testing. Allele origin: germline. Not counted in ClinVar's aggregate classification.
Comment: PM2,PP3

Literature cited by the submitters: PubMed 10646887 (cited by Ambry Genetics).

NM_000038.6(APC):c.623A>G (p.Gln208Arg)

Gene: APC (APC regulator of Wnt signaling pathway; plus strand). Cytogenetic location: 5q22.2.
Variant type: single nucleotide variant.
Coding change: c.623A>G on transcript NM_000038.6 (MANE Select); coding-DNA position 623, A replaced by G.
Protein change: p.Gln208Arg; replaces glutamine 208 with arginine.
Molecular consequence: missense variant. On other transcripts: 5 prime UTR variant (4), non-coding transcript variant (2).
Genome position (GRCh38, 1-based): chr5:112,780,881, A>G. VCF-style: chr5-112780881-A-G. GRCh37 (hg19) VCF-style: chr5-112116578-A-G.
Other names: NM_001354906.2:c.-413A>G; c.623A>G, p.Gln208Arg (NM_001127510.3, NM_001354895.2, NM_001354896.2 and 16 more transcripts); c.653A>G, p.Gln218Arg (NM_001127511.3, NM_001354897.2, NM_001354902.2 and 1 more transcripts); c.548A>G, p.Gln183Arg (NM_001354898.2, NM_001354904.2, NM_001407451.1); c.446A>G, p.Gln149Arg (NM_001354900.2, NM_001354901.2, NM_001354905.2 and 1 more transcripts); c.-413A>G (NM_001354906.2, NM_001407470.1, NM_001407471.1 and 1 more transcripts); c.623A>G (NM_000038.5); short protein forms Q149R, Q183R, Q208R, Q218R.
Identifiers: ClinVar variation 3901083 (VCV003901083.3).
Genomic context (GRCh38, chr5:112,780,881, plus strand): 5'-AATTGGAATATGAAGCAAGGCAAATCAGAGTTGCGATGGAAGAACAACTAGGTACCTGCC[A>G]GGATATGGAAAAACGAGCACAGGTAAGTTACTTGTTTCTAAGTGATAAAACAGCGAAGAG-3'
Protein context (NP_000029.2, residues 198-218): VAMEEQLGTC[Gln208Arg]DMEKRAQRRI